The following is an entry in ClinVar:

ClinVar aggregate classification (germline): Uncertain significance (1 of 4 stars; one submission).

Conditions:
Inborn genetic diseases. Identifiers: MedGen C0950123, MeSH D030342.

Allele frequency attached by ClinVar (database versions not stated): TOPMed below 0.00001.

Submission:

Ambry Genetics
Classification: Uncertain significance for Inborn genetic diseases. Last evaluated: 2021-07-23. Review status: criteria provided, single submitter. Criteria: Ambry Variant Classification Scheme 2023. Collection method: clinical testing. Allele origin: germline.
Comment: The p.E206G variant (also known as c.617A>G), located in coding exon 4 of the ATR gene, results from an A to G substitution at nucleotide position 617. The glutamic acid at codon 206 is replaced by glycine, an amino acid with similar properties. This amino acid position is conserved. In addition, this alteration is predicted to be tolerated by in silico analysis. Since supporting evidence is limited at this time, the clinical significance of this alteration remains unclear.

NM_001184.4(ATR):c.617A>G (p.Glu206Gly)

Gene: ATR (ATR checkpoint kinase; minus strand). Cytogenetic location: 3q23.
Variant type: single nucleotide variant.
Coding change: c.617A>G on transcript NM_001184.4 (MANE Select); coding-DNA position 617, A replaced by G.
Protein change: p.Glu206Gly; replaces glutamic acid 206 with glycine.
Molecular consequence: missense variant.
Genome position (GRCh38, 1-based): chr3:142,562,785, T>C on the plus strand (A>G on the coding strand, the complement: ATR is on the minus strand). VCF-style: chr3-142562785-T-C. GRCh37 (hg19) VCF-style: chr3-142281627-T-C.
Other names: c.617A>G, p.Glu206Gly (NM_001354579.2); short protein forms E206G.
Identifiers: ClinVar variation 1752041 (VCV001752041.2), dbSNP rs2034930274, ClinGen allele CA354826242.